The following is an entry in ClinVar:

NM_001099274.3(TINF2):c.209T>C (p.Ile70Thr)

Gene: TINF2 (TERF1 interacting nuclear factor 2; minus strand). Cytogenetic location: 14q12.
Variant type: single nucleotide variant.
Coding change: c.209T>C on transcript NM_001099274.3 (MANE Select); coding-DNA position 209, T replaced by C.
Protein change: p.Ile70Thr; replaces isoleucine 70 with threonine.
Molecular consequence: missense variant. On other transcripts: intron variant (1).
Genome position (GRCh38, 1-based): chr14:24,241,978, A>G on the plus strand (T>C on the coding strand, the complement: TINF2 is on the minus strand). VCF-style: chr14-24241978-A-G. GRCh37 (hg19) VCF-style: chr14-24711184-A-G.
Other names: c.209T>C, p.Ile70Thr (NM_012461.3); c.192+163T>C (NM_001363668.2); short protein forms I70T.
Identifiers: ClinVar variation 2783281 (VCV002783281.3), dbSNP rs2502465901, ClinGen allele CA389234413.

ClinVar aggregate classification (germline): Uncertain significance (1 of 4 stars; one submission).

Conditions:
Dyskeratosis congenita. Identifiers: Orphanet 1775, MedGen C0265965, MONDO:0015780.

Submission:

Labcorp Genetics (formerly Invitae), Labcorp
Classification: Uncertain significance for Dyskeratosis congenita. Last evaluated: 2023-09-30. Review status: criteria provided, single submitter. Criteria: Invitae Variant Classification Sherloc (09022015). Collection method: clinical testing. Allele origin: germline.
Comment: In summary, the available evidence is currently insufficient to determine the role of this variant in disease. Therefore, it has been classified as a Variant of Uncertain Significance. An algorithm developed to predict the effect of missense changes on protein structure and function (PolyPhen-2) suggests that this variant is likely to be tolerated. This variant has not been reported in the literature in individuals affected with TINF2-related conditions. This variant is not present in population databases (gnomAD no frequency). This sequence change replaces isoleucine, which is neutral and non-polar, with threonine, which is neutral and polar, at codon 70 of the TINF2 protein (p.Ile70Thr).